The following is an entry in ClinVar:

NM_133433.4(NIPBL):c.2129_2136delinsTTGGAA (p.Arg710fs)

Gene: NIPBL (NIPBL cohesin loading factor; plus strand). Cytogenetic location: 5p13.2.
Variant type: Indel.
Coding change: c.2129_2136delinsTTGGAA on transcript NM_133433.4 (MANE Select); coding-DNA positions 2129 to 2136, GGCCTGAG replaced by TTGGAA.
Protein change: p.Arg710fs; shifts the reading frame from arginine 710.
Molecular consequence: frameshift variant.
Genome position (GRCh38, 1-based): chr5:36,985,309-36,985,316, GGCCTGAG replaced by TTGGAA. VCF-style: chr5-36985309-GGCCTGAG-TTGGAA. GRCh37 (hg19) VCF-style: chr5-36985411-GGCCTGAG-TTGGAA.
Other names: c.2129_2136delinsTTGGAA, p.Arg710fs (NM_001438586.1, NM_015384.5); short protein forms R710fs.
Identifiers: ClinVar variation 4538973 (VCV004538973.1).

ClinVar aggregate classification (germline): Pathogenic (1 of 4 stars; one submission).

Submission:

GeneDx
Classification: Pathogenic. Last evaluated: 2025-06-20. Review status: criteria provided, single submitter. Criteria: GeneDx Variant Classification Process June 2021. Collection method: clinical testing. Allele origin: germline. Affected: yes.
Comment: Frameshift variant predicted to result in protein truncation or nonsense mediated decay in a gene for which loss of function is a known mechanism of disease; Not observed at significant frequency in large population cohorts (gnomAD); Has not been previously published as pathogenic or benign to our knowledge